The following is an entry in ClinVar:

NM_000642.3(AGL):c.949C>T (p.Leu317Phe)

Gene: AGL (amylo-alpha-1,6-glucosidase and 4-alpha-glucanotransferase; plus strand). Cytogenetic location: 1p21.2.
Variant type: single nucleotide variant.
Coding change: c.949C>T on transcript NM_000642.3 (MANE Select); coding-DNA position 949, C replaced by T.
Protein change: p.Leu317Phe; replaces leucine 317 with phenylalanine.
Molecular consequence: missense variant.
Genome position (GRCh38, 1-based): chr1:99,870,860, C>T. VCF-style: chr1-99870860-C-T. GRCh37 (hg19) VCF-style: chr1-100336416-C-T.
Other names: c.949C>T, p.Leu317Phe (NM_000028.3, NM_000643.3, NM_000644.3 and 3 more transcripts); c.901C>T, p.Leu301Phe (NM_000646.3); c.745C>T, p.Leu249Phe (NM_001425328.1, NM_001425329.1); c.571C>T, p.Leu191Phe (NM_001425332.1); short protein forms L317F, L301F, L191F, L249F.
Identifiers: ClinVar variation 577440 (VCV000577440.8), dbSNP rs1557754822, ClinGen allele CA341341895.

ClinVar aggregate classification (germline): Uncertain significance (1 of 4 stars; one submission).

Conditions:
Glycogen storage disease type III (GSD3). Also called: Cori disease; FORBES DISEASE. Identifiers: Orphanet 366, MedGen C0017922, MONDO:0009291, OMIM 232400.

Allele frequency attached by ClinVar (database versions not stated): TOPMed below 0.00001.
gnomAD v4.1: 2 of 1,582,898 alleles (0.00013%); highest among the groups gnomAD compares: Non-Finnish European, 0.00017%; no homozygotes.

Submission:

Labcorp Genetics (formerly Invitae), Labcorp
Classification: Uncertain significance for Glycogen storage disease type III. Last evaluated: 2021-09-02. Review status: criteria provided, single submitter. Criteria: Invitae Variant Classification Sherloc (09022015). Collection method: clinical testing. Allele origin: germline.
Comment: This sequence change replaces leucine with phenylalanine at codon 317 of the AGL protein (p.Leu317Phe). The leucine residue is moderately conserved and there is a small physicochemical difference between leucine and phenylalanine. This variant is not present in population databases (ExAC no frequency). This variant has not been reported in the literature in individuals affected with AGL-related conditions. Algorithms developed to predict the effect of missense changes on protein structure and function are either unavailable or do not agree on the potential impact of this missense change (SIFT: "Tolerated"; PolyPhen-2: "Possibly Damaging"; Align-GVGD: "Class C0"). In summary, the available evidence is currently insufficient to determine the role of this variant in disease. Therefore, it has been classified as a Variant of Uncertain Significance.